The following is an entry in ClinVar:

ClinVar aggregate classification (germline): Uncertain significance (1 of 4 stars; one submission).

Conditions:
Bloom syndrome (BLM). Also called: Bloom-Torre-Machacek syndrome. Identifiers: Orphanet 125, MedGen C0005859, MONDO:0008876, OMIM 210900.

Submission:

Labcorp Genetics (formerly Invitae), Labcorp
Classification: Uncertain significance for Bloom syndrome. Last evaluated: 2025-04-21. Review status: criteria provided, single submitter. Criteria: Invitae Variant Classification Sherloc (09022015). Collection method: clinical testing. Allele origin: germline.
Comment: This sequence change replaces arginine, which is basic and polar, with serine, which is neutral and polar, at codon 483 of the BLM protein (p.Arg483Ser). This variant is not present in population databases (gnomAD no frequency). This variant has not been reported in the literature in individuals affected with BLM-related conditions. ClinVar contains an entry for this variant (Variation ID: 2710926). Invitae Evidence Modeling of protein sequence and biophysical properties (such as structural, functional, and spatial information, amino acid conservation, physicochemical variation, residue mobility, and thermodynamic stability) indicates that this missense variant is not expected to disrupt BLM protein function with a negative predictive value of 80%. In summary, the available evidence is currently insufficient to determine the role of this variant in disease. Therefore, it has been classified as a Variant of Uncertain Significance.

NM_000057.4(BLM):c.1449G>C (p.Arg483Ser)

Gene: BLM (BLM RecQ like helicase; plus strand). Cytogenetic location: 15q26.1.
Variant type: single nucleotide variant.
Coding change: c.1449G>C on transcript NM_000057.4 (MANE Select); coding-DNA position 1449, G replaced by C.
Protein change: p.Arg483Ser; replaces arginine 483 with serine.
Molecular consequence: missense variant.
Genome position (GRCh38, 1-based): chr15:90,760,822, G>C. VCF-style: chr15-90760822-G-C. GRCh37 (hg19) VCF-style: chr15-91304052-G-C.
Other names: c.1449G>C, p.Arg483Ser (NM_001287246.2, NM_001287247.2); c.324G>C, p.Arg108Ser (NM_001287248.2); short protein forms R108S, R483S.
Identifiers: ClinVar variation 2710926 (VCV002710926.3), dbSNP rs1596229906, ClinGen allele CA393843079.